The following is an entry in ClinVar:

NM_000213.5(ITGB4):c.1736dup (p.Asn579fs)

Gene: ITGB4 (integrin subunit beta 4; plus strand). Cytogenetic location: 17q25.1.
Variant type: Duplication.
Coding change: c.1736dup on transcript NM_000213.5 (MANE Select); coding-DNA position 1736, one base duplicated (A; older notation c.1736dupA).
Protein change: p.Asn579fs; shifts the reading frame from asparagine 579.
Molecular consequence: frameshift variant.
Genome position (GRCh38, 1-based): chr17:75,736,129, A duplicated; the last of 2 consecutive A bases (chr17:75,736,128-75,736,129); duplicating either gives the same sequence. VCF-style (leftmost placement, unchanged base first): chr17-75736127-C-CA. GRCh37 (hg19) VCF-style: chr17-73732208-C-CA.
Other names: c.1736dup, p.Asn579Lysfs (NM_001005619.2); c.1736dup, p.Asn579fs (NM_001005731.3, NM_001321123.2); short protein forms N579fs.
Identifiers: ClinVar variation 2697720 (VCV002697720.3), dbSNP rs2545765625, ClinGen allele CA2697555137.

ClinVar aggregate classification (germline): Pathogenic (1 of 4 stars; one submission).

Submission:

Labcorp Genetics (formerly Invitae), Labcorp
Classification: Pathogenic. Last evaluated: 2023-11-20. Review status: criteria provided, single submitter. Criteria: Invitae Variant Classification Sherloc (09022015). Collection method: clinical testing. Allele origin: germline.
Comment: This sequence change creates a premature translational stop signal (p.Asn579Lysfs*13) in the ITGB4 gene. It is expected to result in an absent or disrupted protein product. Loss-of-function variants in ITGB4 are known to be pathogenic (PMID: 11328943, 16473856). This variant is not present in population databases (gnomAD no frequency). This variant has not been reported in the literature in individuals affected with ITGB4-related conditions. For these reasons, this variant has been classified as Pathogenic.

Literature cited by the submitters: PubMed 11328943; PubMed 16473856.